The following is an entry in ClinVar:

NM_000321.3(RB1):c.*1748A>T

Gene: RB1 (RB transcriptional corepressor 1; plus strand). Cytogenetic location: 13q14.2.
Variant type: single nucleotide variant.
Coding change: c.*1748A>T on transcript NM_000321.3 (MANE Select); 1748 bases downstream of the stop codon, A replaced by T.
Molecular consequence: 3 prime UTR variant.
Genome position (GRCh38, 1-based): chr13:48,481,819, A>T. VCF-style: chr13-48481819-A-T. GRCh37 (hg19) VCF-style: chr13-49055955-A-T.
Identifiers: ClinVar variation 883518 (VCV000883518.4), dbSNP rs556205552, ClinGen allele CA249292016.

ClinVar aggregate classification (germline): Benign (1 of 4 stars; one submission).

Conditions:
Retinoblastoma (RB1). Also called: RETINOBLASTOMA, SOMATIC. Identifiers: Orphanet 790, MedGen C0035335, MeSH D012175, MONDO:0008380, OMIM 180200, HP:0009919. Disease mechanism: loss of function. Inheritance: Both sporadic and heritable forms are tested..

Allele frequency attached by ClinVar (database versions not stated): gnomAD 0.00005 and 0.00006; TOPMed 0.00006; 1000 Genomes Project 0.00060; 1000 Genomes Project 30x 0.00062.

Submission:

Illumina Laboratory Services, Illumina
Classification: Benign for Retinoblastoma. Last evaluated: 2018-01-12. Review status: criteria provided, single submitter. Criteria: ICSL Variant Classification Criteria 13 December 2019. Collection method: clinical testing. Allele origin: germline.
Comment: This variant was observed in the ICSL laboratory as part of a predisposition screen in an ostensibly healthy population. It had not been previously curated by ICSL or reported in the Human Gene Mutation Database (HGMD: prior to June 1st, 2018), and was therefore a candidate for classification through an automated scoring system. Utilizing variant allele frequency, disease prevalence and penetrance estimates, and inheritance mode, an automated score was calculated to assess if this variant is too frequent to cause the disease. Based on the score and internal cut-off values, a variant classified as benign is not then subjected to further curation. The score for this variant resulted in a classification of benign for this disease.